The following is an entry in ClinVar:

NM_003242.6(TGFBR2):c.1322C>A (p.Ser441Tyr)

Gene: TGFBR2 (transforming growth factor beta receptor 2; plus strand). Cytogenetic location: 3p24.1.
Variant type: single nucleotide variant.
Coding change: c.1322C>A on transcript NM_003242.6 (MANE Select); coding-DNA position 1322, C replaced by A.
Protein change: p.Ser441Tyr; replaces serine 441 with tyrosine.
Molecular consequence: missense variant.
Genome position (GRCh38, 1-based): chr3:30,674,172, C>A. VCF-style: chr3-30674172-C-A. GRCh37 (hg19) VCF-style: chr3-30715664-C-A.
Other names: c.1325C>A, p.Ser442Tyr (NM_001407129.1); c.1322C>A, p.Ser441Tyr (NM_001407130.1); c.1217C>A, p.Ser406Tyr (NM_001407132.1, NM_001407133.1, NM_001407134.1 and 2 more transcripts); c.1037C>A, p.Ser346Tyr (NM_001407137.1); c.962C>A, p.Ser321Tyr (NM_001407138.1); c.1397C>A, p.Ser466Tyr (NM_001024847.3); c.1505C>A, p.Ser502Tyr (NM_001407126.1); c.1430C>A, p.Ser477Tyr (NM_001407127.1); and 1 more; short protein forms S441Y, S466Y, S450Y, S321Y, S346Y, S442Y, S502Y, S406Y.
Identifiers: ClinVar variation 1026700 (VCV001026700.6), dbSNP rs1699393106, ClinGen allele CA351809014.

ClinVar aggregate classification (germline): Uncertain significance (1 of 4 stars; one submission).

Conditions:
Familial thoracic aortic aneurysm and aortic dissection (TAAD). Also called: Thoracic aortic aneurysms and dissections. Identifiers: Orphanet 91387, MedGen C4707243, MONDO:0019625.

Submission:

Labcorp Genetics (formerly Invitae), Labcorp
Classification: Uncertain significance for Familial thoracic aortic aneurysm and aortic dissection. Last evaluated: 2026-01-28. Review status: criteria provided, single submitter. Criteria: Invitae Variant Classification Sherloc (09022015). Collection method: clinical testing. Allele origin: germline.
Comment: This sequence change replaces serine, which is neutral and polar, with tyrosine, which is neutral and polar, at codon 441 of the TGFBR2 protein (p.Ser441Tyr). This variant is not present in population databases (gnomAD no frequency). This missense change has been observed in individual(s) with clinical features of Loeys Dietz syndrome (internal data). ClinVar contains an entry for this variant (Variation ID: 1026700). Invitae Evidence Modeling of protein sequence and biophysical properties (such as structural, functional, and spatial information, amino acid conservation, physicochemical variation, residue mobility, and thermodynamic stability) has been performed for this missense variant. However, the output from this modeling did not meet the statistical confidence thresholds required to predict the impact of this variant on TGFBR2 protein function. This variant disrupts the p.Ser441 amino acid residue in TGFBR2. Other variant(s) that disrupt this residue have been determined to be pathogenic (internal data). This suggests that this residue is clinically significant, and that variants that disrupt this residue are likely to be disease-causing. In summary, the available evidence is currently insufficient to determine the role of this variant in disease. Therefore, it has been classified as a Variant of Uncertain Significance.